The following is an entry in ClinVar:

NM_000179.3(MSH6):c.3002A>G (p.Lys1001Arg)

Gene: MSH6 (mutS homolog 6; plus strand). Cytogenetic location: 2p16.3.
Variant type: single nucleotide variant.
Coding change: c.3002A>G on transcript NM_000179.3 (MANE Select); coding-DNA position 3002, A replaced by G.
Protein change: p.Lys1001Arg; replaces lysine 1001 with arginine.
Molecular consequence: missense variant.
Genome position (GRCh38, 1-based): chr2:47,800,985, A>G. VCF-style: chr2-47800985-A-G. GRCh37 (hg19) VCF-style: chr2-48028124-A-G.
Other names: c.2612A>G, p.Lys871Arg (NM_001281492.2); c.2096A>G, p.Lys699Arg (NM_001281493.2, NM_001281494.2); short protein forms K1001R, K871R, K699R.
Identifiers: ClinVar variation 232000 (VCV000232000.12), dbSNP rs876659485, ClinGen allele CA10578127.

ClinVar aggregate classification (germline): Uncertain significance. Review status: criteria provided, multiple submitters, no conflicts (2 of 4 stars). 2 submissions from 2 submitters: Uncertain significance (2). Last evaluated 2025-12-03.

Conditions:
Hereditary nonpolyposis colorectal neoplasms. Identifiers: MedGen C0009405, MeSH D003123.
Hereditary cancer-predisposing syndrome. Also called: Neoplastic Syndromes, Hereditary; Tumor predisposition; Hereditary Cancer Syndrome; Hereditary neoplastic syndrome. Identifiers: Orphanet 140162, MedGen C0027672, MeSH D009386, MONDO:0015356.

Submissions (2):

Ambry Genetics
Classification: Uncertain significance for Hereditary cancer-predisposing syndrome. Last evaluated: 2025-12-03. Review status: criteria provided, single submitter. Criteria: Ambry Variant Classification Scheme 2023. Collection method: clinical testing. Allele origin: germline.
Comment: The p.K1001R variant (also known as c.3002A>G), located in coding exon 4 of the MSH6 gene, results from an A to G substitution at nucleotide position 3002. The lysine at codon 1001 is replaced by arginine, an amino acid with highly similar properties. This amino acid position is highly conserved in available vertebrate species. In addition, this alteration is predicted to be deleterious by in silico analysis. Based on the available evidence, the clinical significance of this variant remains unclear.

Labcorp Genetics (formerly Invitae), Labcorp
Classification: Uncertain significance for Hereditary nonpolyposis colorectal neoplasms. Last evaluated: 2025-05-05. Review status: criteria provided, single submitter. Criteria: Invitae Variant Classification Sherloc (09022015). Collection method: clinical testing. Allele origin: germline.
Comment: This sequence change replaces lysine, which is basic and polar, with arginine, which is basic and polar, at codon 1001 of the MSH6 protein (p.Lys1001Arg). This variant is not present in population databases (gnomAD no frequency). This variant has not been reported in the literature in individuals affected with MSH6-related conditions. ClinVar contains an entry for this variant (Variation ID: 232000). Invitae Evidence Modeling of protein sequence and biophysical properties (such as structural, functional, and spatial information, amino acid conservation, physicochemical variation, residue mobility, and thermodynamic stability) has been performed for this missense variant. However, the output from this modeling did not meet the statistical confidence thresholds required to predict the impact of this variant on MSH6 protein function. In summary, the available evidence is currently insufficient to determine the role of this variant in disease. Therefore, it has been classified as a Variant of Uncertain Significance.